The following is an entry in ClinVar:

NM_001378969.1(KCND3):c.1345C>T (p.Leu449Phe)

Gene: KCND3 (potassium voltage-gated channel subfamily D member 3; minus strand). Cytogenetic location: 1p13.2.
Variant type: single nucleotide variant.
Coding change: c.1345C>T on transcript NM_001378969.1 (MANE Select); coding-DNA position 1345, C replaced by T.
Protein change: p.Leu449Phe; replaces leucine 449 with phenylalanine.
Molecular consequence: missense variant.
Genome position (GRCh38, 1-based): chr1:111,780,716, G>A on the plus strand (C>T on the coding strand, the complement: KCND3 is on the minus strand). VCF-style: chr1-111780716-G-A. GRCh37 (hg19) VCF-style: chr1-112323338-G-A.
Other names: c.1345C>T, p.Leu449Phe (NM_001378970.1, NM_004980.5, NM_172198.3); short protein forms L449F.
Identifiers: ClinVar variation 1770457 (VCV001770457.7), dbSNP rs1257851120, ClinGen allele CA341659053.

ClinVar aggregate classification (germline): Uncertain significance. Review status: criteria provided, multiple submitters, no conflicts (2 of 4 stars). 2 submissions from 2 submitters: Uncertain significance (2). Last evaluated 2022-03-19.

Conditions:
Spinocerebellar ataxia type 19/22 (SCA19). Also called: SPINOCEREBELLAR ATAXIA 19; SPINOCEREBELLAR ATAXIA 22. Identifiers: Orphanet 98772, MedGen C1846367, MONDO:0011819, OMIM 607346.
Cardiovascular phenotype. Identifiers: MedGen CN230736.

Allele frequency attached by ClinVar (database versions not stated): gnomAD exomes below 0.00001; TOPMed below 0.00001; gnomAD 0.00001.
gnomAD v4.1: 2 of 1,612,156 alleles (0.00012%); highest among the groups gnomAD compares: Admixed American, 0.0033%; no homozygotes.

Submissions (2):

Labcorp Genetics (formerly Invitae), Labcorp
Classification: Uncertain significance for Spinocerebellar ataxia type 19/22. Last evaluated: 2022-03-19. Review status: criteria provided, single submitter. Criteria: Invitae Variant Classification Sherloc (09022015). Collection method: clinical testing. Allele origin: germline.
Comment: This sequence change replaces leucine, which is neutral and non-polar, with phenylalanine, which is neutral and non-polar, at codon 449 of the KCND3 protein (p.Leu449Phe). This variant is present in population databases (no rsID available, gnomAD 0.1%). This variant has not been reported in the literature in individuals affected with KCND3-related conditions. Algorithms developed to predict the effect of missense changes on protein structure and function are either unavailable or do not agree on the potential impact of this missense change (SIFT: "Tolerated"; PolyPhen-2: "Possibly Damaging"; Align-GVGD: "Class C0"). In summary, the available evidence is currently insufficient to determine the role of this variant in disease. Therefore, it has been classified as a Variant of Uncertain Significance.

Ambry Genetics
Classification: Uncertain significance for Cardiovascular phenotype. Last evaluated: 2021-10-21. Review status: criteria provided, single submitter. Criteria: Ambry Variant Classification Scheme 2023. Collection method: clinical testing. Allele origin: germline.
Comment: The p.L449F variant (also known as c.1345C>T), located in coding exon 3 of the KCND3 gene, results from a C to T substitution at nucleotide position 1345. The leucine at codon 449 is replaced by phenylalanine, an amino acid with highly similar properties. This amino acid position is highly conserved in available vertebrate species. In addition, the in silico prediction for this alteration is inconclusive. Since supporting evidence is limited at this time, the clinical significance of this alteration remains unclear.